The following is an entry in ClinVar:

NM_001353921.2(ARHGEF9):c.1306del (p.Glu436fs)

Gene: ARHGEF9 (Cdc42 guanine nucleotide exchange factor 9; minus strand). Cytogenetic location: Xq11.1.
Variant type: Deletion.
Coding change: c.1306del on transcript NM_001353921.2 (MANE Select); coding-DNA position 1306, one base deleted (G; older notation c.1306delG).
Protein change: p.Glu436fs; shifts the reading frame from glutamic acid 436.
Molecular consequence: frameshift variant. On other transcripts: intron variant (2).
Genome position (GRCh38, 1-based): chrX:63,655,509, C deleted on the plus strand (G on the coding strand, the reverse complement: ARHGEF9 is on the minus strand); the first of 2 consecutive C bases (chrX:63,655,509-63,655,510); deleting either gives the same sequence. VCF-style (leftmost placement, unchanged base first): chrX-63655508-TC-T. GRCh37 (hg19) VCF-style: chrX-62875388-TC-T.
Other names: c.1105del, p.Glu369fs (NM_001353926.2, NM_001369039.1, NM_001369040.1 and 1 more transcripts); c.1090del, p.Glu364fs (NM_001353927.2, NM_001369041.1); c.1153del, p.Glu385fs (NM_001353928.2); c.1285del, p.Glu429fs (NM_001369030.1, NM_001369031.1, NM_001369032.1 and 1 more transcripts); c.1222del, p.Glu408fs (NM_001369033.1, NM_001369034.1, NM_001369035.1 and 4 more transcripts); c.1126del, p.Glu376fs (NM_001173479.2); c.979del, p.Glu327fs (NM_001173480.2, NM_001369042.1); c.1174del, p.Glu392fs (NM_001353922.2); and 3 more; short protein forms E247fs, E327fs, E364fs, E369fs, E376fs, E385fs, E392fs, E408fs.
Identifiers: ClinVar variation 804241 (VCV000804241.4), dbSNP rs1602253296, ClinGen allele CA915951129.

ClinVar aggregate classification (germline): Pathogenic. Review status: criteria provided, multiple submitters, no conflicts (2 of 4 stars). 2 submissions from 2 submitters: Pathogenic (2). Last evaluated 2019-08-16.

Conditions:
Developmental and epileptic encephalopathy, 8 (DEE8). Also called: HYPEREKPLEXIA AND EPILEPSY. Identifiers: Orphanet 163985, Orphanet 2076, MedGen C1845102, MONDO:0010375, OMIM 300607.

Submissions (2):

Baylor Genetics
Classification: Pathogenic for Developmental and epileptic encephalopathy, 8. Last evaluated: 2019-08-16. Review status: criteria provided, single submitter. Criteria: ACMG Guidelines, 2015. Collection method: clinical testing. Allele origin: de novo. Affected: yes.
Comment: This variant was determined to be pathogenic according to ACMG Guidelines, 2015 [PMID:25741868].

Undiagnosed Diseases Network, NIH
Classification: Pathogenic for Developmental and epileptic encephalopathy, 8. Last evaluated: 2019-08-16. Review status: criteria provided, single submitter. Criteria: ACMG Guidelines, 2015. Collection method: clinical testing. Allele origin: de novo. Inheritance: X-linked inheritance. Affected: yes. Observed: 1 variant allele, 1 heterozygote.